The following is an entry in ClinVar:

ClinVar aggregate classification (germline): Uncertain significance (1 of 4 stars; one submission).

Conditions:
Intellectual disability, autosomal recessive 42 (NEDDSBA). Also called: Neurodevelopmental disorder with dysmorphic features, spasticity, and brain abnormalities; GLYCOSYLPHOSPHATIDYLINOSITOL BIOSYNTHESIS DEFECT 9. Identifiers: Orphanet 88616, MedGen C4014343, MONDO:0014348, OMIM 615802.

Allele frequency attached by ClinVar (database versions not stated): gnomAD exomes 0.00001; TOPMed 0.00002; ExAC 0.00005.
gnomAD v4.1: 16 of 1,601,602 alleles (0.001%); highest among the groups gnomAD compares: Admixed American, 0.025%; no homozygotes.

Submission:

Labcorp Genetics (formerly Invitae), Labcorp
Classification: Uncertain significance for Intellectual disability, autosomal recessive 42. Last evaluated: 2022-09-21. Review status: criteria provided, single submitter. Criteria: Invitae Variant Classification Sherloc (09022015). Collection method: clinical testing. Allele origin: germline.
Comment: This variant has not been reported in the literature in individuals affected with PGAP1-related conditions. This variant is present in population databases (rs768399432, gnomAD 0.05%). This sequence change replaces serine, which is neutral and polar, with asparagine, which is neutral and polar, at codon 449 of the PGAP1 protein (p.Ser449Asn). Advanced modeling of protein sequence and biophysical properties (such as structural, functional, and spatial information, amino acid conservation, physicochemical variation, residue mobility, and thermodynamic stability) performed at Invitae indicates that this missense variant is not expected to disrupt PGAP1 protein function. In summary, the available evidence is currently insufficient to determine the role of this variant in disease. Therefore, it has been classified as a Variant of Uncertain Significance. Algorithms developed to predict the effect of sequence changes on RNA splicing suggest that this variant may create or strengthen a splice site.

NM_024989.4(PGAP1):c.1346G>A (p.Ser449Asn)

Gene: PGAP1 (post-GPI attachment to proteins inositol deacylase 1; minus strand). Cytogenetic location: 2q33.1.
Variant type: single nucleotide variant.
Coding change: c.1346G>A on transcript NM_024989.4 (MANE Select); coding-DNA position 1346, G replaced by A.
Protein change: p.Ser449Asn; replaces serine 449 with asparagine.
Molecular consequence: missense variant.
Genome position (GRCh38, 1-based): chr2:196,880,080, C>T on the plus strand (G>A on the coding strand, the complement: PGAP1 is on the minus strand). VCF-style: chr2-196880080-C-T. GRCh37 (hg19) VCF-style: chr2-197744804-C-T.
Other names: c.824G>A, p.Ser275Asn (NM_001321099.2); c.179G>A, p.Ser60Asn (NM_001321100.2); short protein forms S60N, S275N, S449N.
Identifiers: ClinVar variation 2068377 (VCV002068377.2), dbSNP rs768399432, ClinGen allele CA2040950.